The following is an entry in ClinVar:

ClinVar aggregate classification (germline): Uncertain significance (1 of 4 stars; one submission).

Allele frequency attached by ClinVar (database versions not stated): gnomAD exomes below 0.00001 and 0.00001; ExAC 0.00001; ESP Exome Variant Server 0.00008.

Submission:

Labcorp Genetics (formerly Invitae), Labcorp
Classification: Uncertain significance. Last evaluated: 2020-09-11. Review status: criteria provided, single submitter. Criteria: Invitae Variant Classification Sherloc (09022015). Collection method: clinical testing. Allele origin: germline.
Comment: This sequence change replaces glycine with aspartic acid at codon 602 of the AGBL5 protein (p.Gly602Asp). The glycine residue is highly conserved and there is a moderate physicochemical difference between glycine and aspartic acid. This variant is present in population databases (rs147560263, ExAC 0.001%). This variant has not been reported in the literature in individuals with AGBL5-related conditions. Algorithms developed to predict the effect of missense changes on protein structure and function are either unavailable or do not agree on the potential impact of this missense change (SIFT: "Deleterious"; PolyPhen-2: "Benign"; Align-GVGD: "Class C15"). In summary, the available evidence is currently insufficient to determine the role of this variant in disease. Therefore, it has been classified as a Variant of Uncertain Significance.

NM_021831.6(AGBL5):c.1805G>A (p.Gly602Asp)

Gene: AGBL5 (AGBL carboxypeptidase 5; plus strand). Cytogenetic location: 2p23.3.
Variant type: single nucleotide variant.
Coding change: c.1805G>A on transcript NM_021831.6 (MANE Select); coding-DNA position 1805, G replaced by A.
Protein change: p.Gly602Asp; replaces glycine 602 with aspartic acid.
Molecular consequence: missense variant. On other transcripts: non-coding transcript variant (2).
Genome position (GRCh38, 1-based): chr2:27,058,533, G>A. VCF-style: chr2-27058533-G-A. GRCh37 (hg19) VCF-style: chr2-27281401-G-A.
Other names: c.1805G>A, p.Gly602Asp (NM_001035507.3); short protein forms G602D.
Identifiers: ClinVar variation 1025991 (VCV001025991.8), dbSNP rs147560263, ClinGen allele CA1567973.